The following is an entry in ClinVar:

ClinVar aggregate classification (germline): Uncertain significance (1 of 4 stars; one submission).

Allele frequency attached by ClinVar (database versions not stated): TOPMed below 0.00001; ExAC 0.00001.

Submission:

Labcorp Genetics (formerly Invitae), Labcorp
Classification: Uncertain significance. Last evaluated: 2021-12-24. Review status: criteria provided, single submitter. Criteria: Invitae Variant Classification Sherloc (09022015). Collection method: clinical testing. Allele origin: germline.
Comment: This sequence change replaces glutamic acid, which is acidic and polar, with glutamine, which is neutral and polar, at codon 440 of the UNC45A protein (p.Glu440Gln). This variant is present in population databases (rs758882402, gnomAD 0.01%). This variant has not been reported in the literature in individuals affected with UNC45A-related conditions. Algorithms developed to predict the effect of missense changes on protein structure and function are either unavailable or do not agree on the potential impact of this missense change (SIFT: "Not Available"; PolyPhen-2: "Possibly Damaging"; Align-GVGD: "Not Available"). In summary, the available evidence is currently insufficient to determine the role of this variant in disease. Therefore, it has been classified as a Variant of Uncertain Significance.

NM_018671.5(UNC45A):c.1318G>C (p.Glu440Gln)

Gene: UNC45A (unc-45 myosin chaperone A; plus strand). Cytogenetic location: 15q26.1.
Variant type: single nucleotide variant.
Coding change: c.1318G>C on transcript NM_018671.5 (MANE Select); coding-DNA position 1318, G replaced by C.
Protein change: p.Glu440Gln; replaces glutamic acid 440 with glutamine.
Molecular consequence: missense variant.
Genome position (GRCh38, 1-based): chr15:90,946,732, G>C. VCF-style: chr15-90946732-G-C. GRCh37 (hg19) VCF-style: chr15-91489962-G-C.
Other names: c.1273G>C, p.Glu425Gln (NM_001039675.2, NM_001323621.2); c.1318G>C, p.Glu440Gln (NM_001323619.1); c.883G>C, p.Glu295Gln (NM_001323620.2); short protein forms E295Q, E440Q, E425Q.
Identifiers: ClinVar variation 2181350 (VCV002181350.1), dbSNP rs758882402, ClinGen allele CA7742868.
Genomic context (GRCh38, chr15:90,946,732, plus strand): 5'-TGCCTCCTGCAGGGCCCATGTGACGCTGGCAACCGGGCCTTGGAGCTGAGCGGTGTCATG[G>C]AGAGTGTGATTGCTCTGTGTGCCTCTGAGCAGGAGGAGGAGCAGCTGGTGGCCGTGGAGG-3'
Protein context (NP_061141.2, residues 430-450): NRALELSGVM[Glu440Gln]SVIALCASEQ